The following is an entry in ClinVar:

ClinVar aggregate classification (germline): Uncertain significance (1 of 4 stars; one submission).

gnomAD v4.1: 2 of 1,611,202 alleles (0.00012%); highest among the groups gnomAD compares: Non-Finnish European, 0.00017%; no homozygotes.

Submission:

GeneDx
Classification: Uncertain significance. Last evaluated: 2022-05-20. Review status: criteria provided, single submitter. Criteria: GeneDx Variant Classification Process June 2021. Collection method: clinical testing. Allele origin: germline. Affected: yes.
Comment: Not observed at significant frequency in large population cohorts (gnomAD); In silico analysis supports that this missense variant has a deleterious effect on protein structure/function; Has not been previously published as pathogenic or benign to our knowledge

NM_001378414.1(HDAC4):c.1285C>T (p.Leu429Phe)

Gene: HDAC4 (histone deacetylase 4; minus strand). Cytogenetic location: 2q37.3.
Variant type: single nucleotide variant.
Coding change: c.1285C>T on transcript NM_001378414.1 (MANE Select); coding-DNA position 1285, C replaced by T.
Protein change: p.Leu429Phe; replaces leucine 429 with phenylalanine.
Molecular consequence: missense variant.
Genome position (GRCh38, 1-based): chr2:239,134,254, G>A on the plus strand (C>T on the coding strand, the complement: HDAC4 is on the minus strand). VCF-style: chr2-239134254-G-A. GRCh37 (hg19) VCF-style: chr2-240055950-G-A.
Other names: c.1285C>T, p.Leu429Phe (NM_001378415.1, NM_001378416.1, NM_001378417.1 and 1 more transcripts); short protein forms L429F.
Identifiers: ClinVar variation 1800664 (VCV001800664.1), dbSNP rs759887252, ClinGen allele CA351269645.